The following is an entry in ClinVar:

NM_002691.4(POLD1):c.1811C>A (p.Ser604Tyr)

Gene: POLD1 (DNA polymerase delta 1, catalytic subunit; plus strand). Cytogenetic location: 19q13.33.
Variant type: single nucleotide variant.
Coding change: c.1811C>A on transcript NM_002691.4 (MANE Select); coding-DNA position 1811, C replaced by A.
Protein change: p.Ser604Tyr; replaces serine 604 with tyrosine.
Molecular consequence: missense variant. On other transcripts: non-coding transcript variant (1).
Genome position (GRCh38, 1-based): chr19:50,408,820, C>A. VCF-style: chr19-50408820-C-A. GRCh37 (hg19) VCF-style: chr19-50912077-C-A.
Other names: c.1811C>A, p.Ser604Tyr (NM_001256849.1); c.1889C>A, p.Ser630Tyr (NM_001308632.1); c.1811C>A (NM_002691.2); short protein forms S604Y, S630Y.
Identifiers: ClinVar variation 407972 (VCV000407972.14), dbSNP rs1060501807, ClinGen allele CA16616384.
Genomic context (GRCh38, chr19:50,408,820, plus strand): 5'-CCGGCCGCGGCTGCTCCCCTCCCAGGTACTACGACGTCCCCATCGCCACCCTGGACTTCT[C>A]CTCGCTGTACCCGTCCATCATGATGGCCCACAACCTGTGTTACACCACGCTCCTTCGGCC-3'
Protein context (NP_002682.2, residues 594-614): YDVPIATLDF[Ser604Tyr]SLYPSIMMAH

ClinVar aggregate classification (germline): Uncertain significance. Review status: criteria provided, multiple submitters, no conflicts (2 of 4 stars). 4 submissions from 4 submitters: Uncertain significance (4). Last evaluated 2026-01-26.

Conditions:
Hereditary cancer-predisposing syndrome. Also called: Tumor predisposition; Hereditary neoplastic syndrome; Hereditary Cancer Syndrome; Neoplastic Syndromes, Hereditary. Identifiers: Orphanet 140162, MedGen C0027672, MeSH D009386, MONDO:0015356.
POLD1-related polyposis and colorectal cancer syndrome (CRCS10). Also called: COLORECTAL CANCER, SUSCEPTIBILITY TO, ON CHROMOSOME 19q; Colorectal cancer 10; Colorectal cancer, susceptibility to, 10. Identifiers: Orphanet 220460, MedGen C2675481, MONDO:0012953, OMIM 612591.
Mandibular hypoplasia-deafness-progeroid syndrome. Also called: Mandibular hypoplasia, deafness, progeroid features, and lipodystrophy syndrome. Identifiers: Orphanet 363649, MedGen C3715192, MONDO:0014157, OMIM 615381.

Allele frequency attached by ClinVar (database versions not stated): gnomAD 0.00001; gnomAD exomes 0.00001.
gnomAD v4.1: 5 of 1,613,956 alleles (0.00031%); highest among the groups gnomAD compares: Admixed American, 0.005%; no homozygotes.

Submissions (4):

Dasa
Classification: Uncertain significance for POLD1-related polyposis and colorectal cancer syndrome. Last evaluated: 2026-01-26. Review status: criteria provided, single submitter. Criteria: DASA Assertion Criteria. Collection method: clinical testing. Allele origin: germline.
Comment: NM_002691.4(POLD1):c.1811C>A (p.Ser604Tyr) is a missense variant that results in the substitution of serine with tyrosine. This variant is rare in population databases. The currently available literature and clinical evidence are not sufficient to establish a definitive association between this variant and the reported condition. Therefore, this variant is classified as a variant of uncertain significance.

Ambry Genetics
Classification: Uncertain significance for Hereditary cancer-predisposing syndrome. Last evaluated: 2025-07-15. Review status: criteria provided, single submitter. Criteria: Ambry Variant Classification Scheme 2023. Collection method: clinical testing. Allele origin: germline.

Labcorp Genetics (formerly Invitae), Labcorp
Classification: Uncertain significance for POLD1-related polyposis and colorectal cancer syndrome. Last evaluated: 2025-07-09. Review status: criteria provided, single submitter. Criteria: Invitae Variant Classification Sherloc (09022015). Collection method: clinical testing. Allele origin: germline.
Comment: This sequence change replaces serine, which is neutral and polar, with tyrosine, which is neutral and polar, at codon 604 of the POLD1 protein (p.Ser604Tyr). This variant is present in population databases (no rsID available, gnomAD 0.003%). This variant has not been reported in the literature in individuals affected with POLD1-related conditions. ClinVar contains an entry for this variant (Variation ID: 407972). Invitae Evidence Modeling of protein sequence and biophysical properties (such as structural, functional, and spatial information, amino acid conservation, physicochemical variation, residue mobility, and thermodynamic stability) has been performed for this missense variant. However, the output from this modeling did not meet the statistical confidence thresholds required to predict the impact of this variant on POLD1 protein function. In summary, the available evidence is currently insufficient to determine the role of this variant in disease. Therefore, it has been classified as a Variant of Uncertain Significance.

Fulgent Genetics
Classification: Uncertain significance for POLD1-related polyposis and colorectal cancer syndrome; Mandibular hypoplasia-deafness-progeroid syndrome. Last evaluated: 2022-04-01. Review status: criteria provided, single submitter. Criteria: ACMG Guidelines, 2015. Collection method: clinical testing. Allele origin: unknown.